The following is an entry in ClinVar:

NM_182931.3(KMT2E):c.5495C>T (p.Pro1832Leu)

Gene: KMT2E (lysine methyltransferase 2E (inactive); plus strand). Cytogenetic location: 7q22.3.
Variant type: single nucleotide variant.
Coding change: c.5495C>T on transcript NM_182931.3 (MANE Select); coding-DNA position 5495, C replaced by T.
Protein change: p.Pro1832Leu; replaces proline 1832 with leucine.
Molecular consequence: missense variant.
Genome position (GRCh38, 1-based): chr7:105,113,251, C>T. VCF-style: chr7-105113251-C-T. GRCh37 (hg19) VCF-style: chr7-104753698-C-T.
Other names: c.5369C>T, p.Pro1790Leu (NM_001410908.1); c.5495C>T, p.Pro1832Leu (NM_018682.4); short protein forms P1790L, P1832L.
Identifiers: ClinVar variation 3638873 (VCV003638873.2).

ClinVar aggregate classification (germline): Uncertain significance (1 of 4 stars; one submission).

gnomAD v4.1: 3 of 1,614,096 alleles (0.00019%); highest among the groups gnomAD compares: Admixed American, 0.005%; no homozygotes.

Submission:

Labcorp Genetics (formerly Invitae), Labcorp
Classification: Uncertain significance. Last evaluated: 2024-02-04. Review status: criteria provided, single submitter. Criteria: Invitae Variant Classification Sherloc (09022015). Collection method: clinical testing. Allele origin: germline.
Comment: This sequence change replaces proline, which is neutral and non-polar, with leucine, which is neutral and non-polar, at codon 1832 of the KMT2E protein (p.Pro1832Leu). This variant is present in population databases (rs757753501, gnomAD 0.003%). This variant has not been reported in the literature in individuals affected with KMT2E-related conditions. An algorithm developed to predict the effect of missense changes on protein structure and function (PolyPhen-2) suggests that this variant is likely to be tolerated. In summary, the available evidence is currently insufficient to determine the role of this variant in disease. Therefore, it has been classified as a Variant of Uncertain Significance.